The following is an entry in ClinVar:

NM_002772.3(TMPRSS15):c.44G>A (p.Ser15Asn)

Gene: TMPRSS15 (transmembrane serine protease 15; minus strand). Cytogenetic location: 21q21.1.
Variant type: single nucleotide variant.
Coding change: c.44G>A on transcript NM_002772.3 (MANE Select); coding-DNA position 44, G replaced by A.
Protein change: p.Ser15Asn; replaces serine 15 with asparagine.
Molecular consequence: missense variant.
Genome position (GRCh38, 1-based): chr21:18,403,579, C>T on the plus strand (G>A on the coding strand, the complement: TMPRSS15 is on the minus strand). VCF-style: chr21-18403579-C-T. GRCh37 (hg19) VCF-style: chr21-19775896-C-T.
Other names: short protein forms S15N.
Identifiers: ClinVar variation 1032844 (VCV001032844.7), dbSNP rs61735772, ClinGen allele CA9984881.

ClinVar aggregate classification (germline): Conflicting classifications of pathogenicity. Review status: criteria provided, conflicting classifications (1 of 4 stars). 3 submissions from 3 submitters: Uncertain significance (2); Benign (1). Last evaluated 2026-01-03.

Conditions:
Enterokinase deficiency. Also called: Deficiency of enteropeptidase; ENTEROPEPTIDASE DEFICIENCY; Congenital enteropathy due to enteropeptidase deficiency. Identifiers: Orphanet 168601, MedGen C0268416, MONDO:0009173, OMIM 226200.

Allele frequency attached by ClinVar (database versions not stated): ExAC 0.00090; gnomAD 0.00257 and 0.00243; gnomAD exomes 0.00023 and 0.00070; TOPMed 0.00287; 1000 Genomes Project 0.00300; 1000 Genomes Project 30x 0.00312; ESP Exome Variant Server 0.00323.
gnomAD v4.1: 727 of 1,614,122 alleles (0.045%); highest among the groups gnomAD compares: African/African-American, 0.8%; 6 homozygotes.

Submissions (3):

Labcorp Genetics (formerly Invitae), Labcorp
Classification: Benign. Last evaluated: 2026-01-03. Review status: criteria provided, single submitter. Criteria: Invitae Variant Classification Sherloc (09022015). Collection method: clinical testing. Allele origin: germline.

Baylor Genetics
Classification: Uncertain significance for Enterokinase deficiency. Last evaluated: 2018-08-16. Review status: criteria provided, single submitter. Criteria: ACMG Guidelines, 2015. Collection method: clinical testing. Allele origin: maternal. Affected: yes.
Comment: This variant was determined to be of uncertain significance according to ACMG Guidelines, 2015 [PMID:25741868].

Breakthrough Genomics
Classification: Uncertain significance. Review status: criteria provided, single submitter. Criteria: ACMG Guidelines, 2015. Collection method: not provided. Allele origin: germline. Inheritance: Autosomal dominant inheritance. Affected: yes.